The following is an entry in ClinVar:

ClinVar aggregate classification (germline): Uncertain significance (1 of 4 stars; one submission).

Submission:

Labcorp Genetics (formerly Invitae), Labcorp
Classification: Uncertain significance. Last evaluated: 2023-08-17. Review status: criteria provided, single submitter. Criteria: Invitae Variant Classification Sherloc (09022015). Collection method: clinical testing. Allele origin: germline.
Comment: In summary, the available evidence is currently insufficient to determine the role of this variant in disease. Therefore, it has been classified as a Variant of Uncertain Significance. Advanced modeling of protein sequence and biophysical properties (such as structural, functional, and spatial information, amino acid conservation, physicochemical variation, residue mobility, and thermodynamic stability) performed at Invitae indicates that this missense variant is not expected to disrupt VPS13D protein function. ClinVar contains an entry for this variant (Variation ID: 1937483). This variant has not been reported in the literature in individuals affected with VPS13D-related conditions. This variant is not present in population databases (gnomAD no frequency). This sequence change replaces phenylalanine, which is neutral and non-polar, with isoleucine, which is neutral and non-polar, at codon 1258 of the VPS13D protein (p.Phe1258Ile).

NM_015378.4(VPS13D):c.3772T>A (p.Phe1258Ile)

Gene: VPS13D (vacuolar protein sorting 13 homolog D; plus strand). Cytogenetic location: 1p36.22.
Variant type: single nucleotide variant.
Coding change: c.3772T>A on transcript NM_015378.4 (MANE Select); coding-DNA position 3772, T replaced by A.
Protein change: p.Phe1258Ile; replaces phenylalanine 1258 with isoleucine.
Molecular consequence: missense variant.
Genome position (GRCh38, 1-based): chr1:12,277,360, T>A. VCF-style: chr1-12277360-T-A. GRCh37 (hg19) VCF-style: chr1-12337417-T-A.
Other names: c.3772T>A, p.Phe1258Ile (NM_018156.4); short protein forms F1258I.
Identifiers: ClinVar variation 1937483 (VCV001937483.5), dbSNP rs2524026213, ClinGen allele CA338476514.
Genomic context (GRCh38, chr1:12,277,360, plus strand): 5'-ATTGGGAATTCTGTAGGCTATGAAAATATCATCAGTGATATTGGCTACTTTGAATCTGTG[T>A]TTGTCAGAATGGAAGATGCAGCCCTCACTGAAGCTTTGAGTTTCACGTTTGTTGAGAGAT-3'
Protein context (NP_056193.2, residues 1248-1268): ISDIGYFESV[Phe1258Ile]VRMEDAALTE